The following is an entry in ClinVar:

NM_014915.3(ANKRD26):c.3268_3269dup (p.Thr1091fs)

Gene: ANKRD26 (ankyrin repeat domain 26; minus strand). Cytogenetic location: 10p12.1.
Variant type: Duplication.
Coding change: c.3268_3269dup on transcript NM_014915.3 (MANE Select); coding-DNA positions 3268 to 3269, 2 bases duplicated (AA; older notation c.3268_3269dupAA).
Protein change: p.Thr1091fs; shifts the reading frame from threonine 1091.
Molecular consequence: frameshift variant.
Genome position (GRCh38, 1-based): chr10:27,035,181-27,035,182, TT duplicated on the plus strand (AA on the coding strand, the reverse complement: ANKRD26 is on the minus strand); duplicating any 2 consecutive bases within chr10:27,035,181-27,035,184 gives the same sequence; the c. name uses the placement nearest the transcript's 3' end. VCF-style (leftmost placement, unchanged base first): chr10-27035180-C-CTT. GRCh37 (hg19) VCF-style: chr10-27324109-C-CTT.
Other names: c.3268_3269dup (NM_014915.2); c.3265_3266dup, p.Thr1090fs (NM_001256053.2); short protein forms T1090fs, T1091fs.
Identifiers: ClinVar variation 2580572 (VCV002580572.4), dbSNP rs765404118, ClinGen allele CA5448063.

ClinVar aggregate classification (germline): Uncertain significance. Review status: criteria provided, multiple submitters, no conflicts (2 of 4 stars). 2 submissions from 2 submitters: Uncertain significance (2). Last evaluated 2024-10-07.

Submissions (2):

GeneDx
Classification: Uncertain significance. Last evaluated: 2024-10-07. Review status: criteria provided, single submitter. Criteria: GeneDx Variant Classification Process June 2021. Collection method: clinical testing. Allele origin: germline.
Comment: Not observed at significant frequency in large population cohorts (gnomAD); Has not been previously published as pathogenic or benign to our knowledge; Frameshift variant predicted to result in protein truncation or nonsense mediated decay in a gene for which loss-of-function is not a known mechanism of disease

Labcorp Genetics (formerly Invitae), Labcorp
Classification: Uncertain significance. Last evaluated: 2024-02-26. Review status: criteria provided, single submitter. Criteria: Invitae Variant Classification Sherloc (09022015). Collection method: clinical testing. Allele origin: germline.
Comment: This sequence change creates a premature translational stop signal (p.Thr1091Argfs*5) in the ANKRD26 gene. It is expected to result in an absent or disrupted protein product. However, the current clinical and genetic evidence is not sufficient to establish whether loss-of-function variants in ANKRD26 cause disease. This variant is present in population databases (rs765404118, gnomAD 0.0009%). This variant has not been reported in the literature in individuals affected with ANKRD26-related conditions. ClinVar contains an entry for this variant (Variation ID: 2580572). In summary, the available evidence is currently insufficient to determine the role of this variant in disease. Therefore, it has been classified as a Variant of Uncertain Significance.